The following is an entry in ClinVar:

ClinVar aggregate classification (germline): Uncertain significance (1 of 4 stars; one submission).

Submission:

Labcorp Genetics (formerly Invitae), Labcorp
Classification: Uncertain significance. Last evaluated: 2020-10-26. Review status: criteria provided, single submitter. Criteria: Invitae Variant Classification Sherloc (09022015). Collection method: clinical testing. Allele origin: germline.
Comment: This sequence change replaces tyrosine with histidine at codon 470 of the POLE protein (p.Tyr470His). The tyrosine residue is highly conserved and there is a moderate physicochemical difference between tyrosine and histidine. This variant is not present in population databases (ExAC no frequency). This variant has not been reported in the literature in individuals with POLE-related conditions. Algorithms developed to predict the effect of missense changes on protein structure and function are either unavailable or do not agree on the potential impact of this missense change (SIFT: "Deleterious"; PolyPhen-2: "Probably Damaging"; Align-GVGD: "Class C0"). In summary, the available evidence is currently insufficient to determine the role of this variant in disease. Therefore, it has been classified as a Variant of Uncertain Significance.

NM_006231.4(POLE):c.1408T>C (p.Tyr470His)

Gene: POLE (DNA polymerase epsilon, catalytic subunit; minus strand). Cytogenetic location: 12q24.33.
Variant type: single nucleotide variant.
Coding change: c.1408T>C on transcript NM_006231.4 (MANE Select); coding-DNA position 1408, T replaced by C.
Protein change: p.Tyr470His; replaces tyrosine 470 with histidine.
Molecular consequence: missense variant.
Genome position (GRCh38, 1-based): chr12:132,673,229, A>G on the plus strand (T>C on the coding strand, the complement: POLE is on the minus strand). VCF-style: chr12-132673229-A-G. GRCh37 (hg19) VCF-style: chr12-133249815-A-G.
Other names: short protein forms Y470H.
Identifiers: ClinVar variation 1013950 (VCV001013950.8), dbSNP rs2042971363, ClinGen allele CA387358536.
Genomic context (GRCh38, chr12:132,673,229, plus strand): 5'-CGGGCTCCATGGGAATAATGGTGCACAGAGCAAAGATGAATGGGTGGACGTACTTCATGT[A>G]CAGGTAGTAAGTGGCGACAGCATCTGACACAGAATACGTGGCCAGAGTCTGAGGAGAGAA-3'
Protein context (NP_006222.2, residues 460-480): VSDAVATYYL[Tyr470His]MKYVHPFIFA